The following is an entry in ClinVar:

NM_000059.4(BRCA2):c.4037_4043del (p.Thr1346fs)

Gene: BRCA2 (BRCA2 DNA repair associated; plus strand). Cytogenetic location: 13q13.1.
Variant type: Deletion.
Coding change: c.4037_4043del on transcript NM_000059.4 (MANE Select); coding-DNA positions 4037 to 4043, 7 bases deleted (CTGTTTG; older notation c.4037_4043delCTGTTTG).
Protein change: p.Thr1346fs; shifts the reading frame from threonine 1346.
Molecular consequence: frameshift variant.
Genome position (GRCh38, 1-based): chr13:32,338,392-32,338,398, CTGTTTG deleted. VCF-style (leftmost placement, unchanged base first): chr13-32338391-ACTGTTTG-A. GRCh37 (hg19) VCF-style: chr13-32912528-ACTGTTTG-A.
Other names: c.4037_4043delCTGTTTG, p.Thr1346Ilefs (NM_001406719.1, NM_001406720.1); c.4037_4044delCTGTTTGTinsT (NM_000059.3); short protein forms T1346fs.
Identifiers: ClinVar variation 1737243 (VCV001737243.2), dbSNP rs2548527479, ClinGen allele CA2580087239.

ClinVar aggregate classification (germline): Pathogenic (1 of 4 stars; one submission).

Conditions:
Hereditary cancer-predisposing syndrome. Also called: Neoplastic Syndromes, Hereditary; Tumor predisposition; Hereditary Cancer Syndrome; Hereditary neoplastic syndrome. Identifiers: Orphanet 140162, MedGen C0027672, MeSH D009386, MONDO:0015356.

Submission:

Ambry Genetics
Classification: Pathogenic for Hereditary cancer-predisposing syndrome. Last evaluated: 2020-04-20. Review status: criteria provided, single submitter. Criteria: Ambry Variant Classification Scheme 2023. Collection method: clinical testing. Allele origin: germline.
Comment: The c.4037_4044delCTGTTTGTinsT pathogenic mutation, located in coding exon 10 of the BRCA2 gene, results from the deletion of 8 nucleotides and insertion of one nucleotide causing a translational frameshift with a predicted alternate stop codon (p.T1346Ifs*26). This alteration is expected to result in loss of function by premature protein truncation or nonsense-mediated mRNA decay. As such, this alteration is interpreted as a disease-causing mutation.